The following is an entry in ClinVar:

NM_001366028.2(DNAH12):c.4338C>T (p.Tyr1446=)

Gene: DNAH12 (dynein axonemal heavy chain 12; minus strand). Cytogenetic location: 3p14.3.
Variant type: single nucleotide variant.
Coding change: c.4338C>T on transcript NM_001366028.2 (MANE Select); coding-DNA position 4338, C replaced by T.
Protein change: p.Tyr1446=; no amino-acid change (tyrosine 1446 retained).
Molecular consequence: synonymous variant.
Genome position (GRCh38, 1-based): chr3:57,445,261, G>A on the plus strand (C>T on the coding strand, the complement: DNAH12 is on the minus strand). VCF-style: chr3-57445261-G-A. GRCh37 (hg19) VCF-style: chr3-57430988-G-A.
Identifiers: ClinVar variation 402637 (VCV000402637.5), dbSNP rs6768943, ClinGen allele CA2464971.

ClinVar aggregate classification (germline): Benign. Review status: criteria provided, multiple submitters, no conflicts (2 of 4 stars). 2 submissions from 2 submitters: Benign (2). Last evaluated 2016-03-29.

Allele frequency attached by ClinVar (database versions not stated): 1000 Genomes Project 30x 0.41412; 1000 Genomes Project 0.42093; TOPMed 0.42349; ESP Exome Variant Server 0.42860; gnomAD 0.43646 and 0.44354; ExAC 0.52935.
gnomAD v4.1: 797,727 of 1,550,476 alleles (51%); highest among the groups gnomAD compares: Middle Eastern, 60%; 210,621 homozygotes.

Submissions (2):

Laboratory for Molecular Medicine, Mass General Brigham Personalized Medicine
Classification: Benign. Last evaluated: 2016-03-29. Review status: criteria provided, single submitter. Criteria: LMM Criteria. Collection method: clinical testing. Allele origin: germline.
Comment: Variant identified in a genome or exome case(s) and assessed due to predicted null impact of the variant or pathogenic assertions in the literature or databases. Disclaimer: This variant has not undergone full assessment. The following are preliminary notes: Frequency

Breakthrough Genomics
Classification: Benign. Review status: criteria provided, single submitter. Criteria: ACMG Guidelines, 2015. Collection method: not provided. Allele origin: germline. Inheritance: Unknown mechanism. Affected: yes.